The following is an entry in ClinVar:

NM_015087.5(SPART):c.1172A>T (p.Asp391Val)

Gene: SPART (spartin; minus strand). Cytogenetic location: 13q13.3.
Variant type: single nucleotide variant.
Coding change: c.1172A>T on transcript NM_015087.5 (MANE Select); coding-DNA position 1172, A replaced by T.
Protein change: p.Asp391Val; replaces aspartic acid 391 with valine.
Molecular consequence: missense variant.
Genome position (GRCh38, 1-based): chr13:36,326,691, T>A on the plus strand (A>T on the coding strand, the complement: SPART is on the minus strand). VCF-style: chr13-36326691-T-A. GRCh37 (hg19) VCF-style: chr13-36900828-T-A.
Other names: c.1172A>T, p.Asp391Val (NM_001142294.2, NM_001142295.2, NM_001142296.2); short protein forms D391V.
Identifiers: ClinVar variation 530402 (VCV000530402.9), dbSNP rs148833652, ClinGen allele CA387859507.
Genomic context (GRCh38, chr13:36,326,691, plus strand): 5'-TCTTCTGGAACTGGCTCACATGGTACAATGTGACTCAGGTTAACTTCTTCACTTGAAGTA[T>A]CTTTAGCCTAAACAGTAAAAATGTTTCAAAATGTGAAGAGTTAGTACTAAGAGGGGGAAA-3'
Protein context (NP_055902.1, residues 381-401): HKGKRGKRAK[Asp391Val]TSSEEVNLSH

ClinVar aggregate classification (germline): Uncertain significance (1 of 4 stars; one submission).

Submission:

Labcorp Genetics (formerly Invitae), Labcorp
Classification: Uncertain significance. Last evaluated: 2017-11-16. Review status: criteria provided, single submitter. Criteria: Invitae Variant Classification Sherloc (09022015). Collection method: clinical testing. Allele origin: germline.
Comment: In summary, the available evidence is currently insufficient to determine the role of this variant in disease. Therefore, it has been classified as a Variant of Uncertain Significance. Algorithms developed to predict the effect of missense changes on protein structure and function (SIFT, PolyPhen-2, Align-GVGD) all suggest that this variant is likely to be tolerated, but these predictions have not been confirmed by published functional studies and their clinical significance is uncertain. This variant has not been reported in the literature in individuals with SPG20-related disease. This variant is not present in population databases (ExAC no frequency). This sequence change replaces aspartic acid with valine at codon 391 of the SPG20 protein (p.Asp391Val). The aspartic acid residue is weakly conserved and there is a large physicochemical difference between aspartic acid and valine.